The following is an entry in ClinVar:

ClinVar aggregate classification (germline): Uncertain significance (1 of 4 stars; one submission).

gnomAD v4.1: 1 of 1,592,456 alleles (0.000063%); highest among the groups gnomAD compares: South Asian, 0.0011%; no homozygotes.

Submission:

Labcorp Genetics (formerly Invitae), Labcorp
Classification: Uncertain significance. Last evaluated: 2025-08-26. Review status: criteria provided, single submitter. Criteria: Invitae Variant Classification Sherloc (09022015). Collection method: clinical testing. Allele origin: germline.
Comment: This sequence change replaces proline, which is neutral and non-polar, with serine, which is neutral and polar, at codon 340 of the ACAN protein (p.Pro340Ser). This variant is not present in population databases (gnomAD no frequency). This variant has not been reported in the literature in individuals affected with ACAN-related conditions. Invitae Evidence Modeling of protein sequence and biophysical properties (such as structural, functional, and spatial information, amino acid conservation, physicochemical variation, residue mobility, and thermodynamic stability) indicates that this missense variant is not expected to disrupt ACAN protein function with a negative predictive value of 80%. In summary, the available evidence is currently insufficient to determine the role of this variant in disease. Therefore, it has been classified as a Variant of Uncertain Significance.

NM_001369268.1(ACAN):c.1018C>T (p.Pro340Ser)

Gene: ACAN (aggrecan; plus strand). Cytogenetic location: 15q26.1.
Variant type: single nucleotide variant.
Coding change: c.1018C>T on transcript NM_001369268.1 (MANE Select); coding-DNA position 1018, C replaced by T.
Protein change: p.Pro340Ser; replaces proline 340 with serine.
Molecular consequence: missense variant.
Genome position (GRCh38, 1-based): chr15:88,843,615, C>T. VCF-style: chr15-88843615-C-T. GRCh37 (hg19) VCF-style: chr15-89386846-C-T.
Other names: c.1018C>T, p.Pro340Ser (NM_001135.4, NM_001411096.1, NM_001411097.1 and 1 more transcripts); short protein forms P340S.
Identifiers: ClinVar variation 4745300 (VCV004745300.1).
Genomic context (GRCh38, chr15:88,843,615, plus strand): 5'-GGCAACCTCCTGGGCGTGAGGACCGTCTACGTGCATGCCAACCAGACGGGCTACCCCGAC[C>T]CCTCATCCCGCTACGACGCCATCTGCTACACAGGTGGGGCACGGCTGGTGGTGGGAAGGG-3'
Protein context (NP_001356197.1, residues 330-350): VHANQTGYPD[Pro340Ser]SSRYDAICYT